The following is an entry in ClinVar:

ClinVar aggregate classification (germline): Benign/Likely benign. Review status: criteria provided, multiple submitters, no conflicts (2 of 4 stars). 3 submissions from 3 submitters: Benign (2); Likely benign (1). Last evaluated 2022-12-01.

Allele frequency attached by ClinVar (database versions not stated): 1000 Genomes Project 0.00260; 1000 Genomes Project 30x 0.00344; ExAC 0.00492; gnomAD exomes 0.00509 and 0.00858; TOPMed 0.00566; gnomAD 0.00575 and 0.00590.
gnomAD v4.1: 13,318 of 1,608,674 alleles (0.83%); highest among the groups gnomAD compares: Non-Finnish European, 1%; 67 homozygotes.

Submissions (3):

CeGaT Center for Human Genetics Tuebingen
Classification: Likely benign. Last evaluated: 2022-12-01. Review status: criteria provided, single submitter. Criteria: CeGaT Center For Human Genetics Tuebingen Variant Classification Criteria Version 2. Collection method: clinical testing. Allele origin: germline. Affected: yes. Observed: 1 variant allele.
Comment: CRELD2: BP4, BP7, BS2

Labcorp Genetics (formerly Invitae), Labcorp
Classification: Benign. Last evaluated: 2018-09-12. Review status: criteria provided, single submitter. Criteria: Invitae Variant Classification Sherloc (09022015). Collection method: clinical testing. Allele origin: germline.

Breakthrough Genomics
Classification: Benign. Review status: criteria provided, single submitter. Criteria: ACMG Guidelines, 2015. Collection method: not provided. Allele origin: germline. Inheritance: Unknown mechanism. Affected: yes.

NM_024324.5(CRELD2):c.882C>T (p.Cys294=)

Genes: CRELD2 (CRELD disulfide isomerase 2; plus strand), LOC130067777 (ATAC-STARR-seq lymphoblastoid active region 19284; plus strand). Cytogenetic location: 22q13.33.
Variant type: single nucleotide variant.
Coding change: c.882C>T on transcript NM_024324.5 (MANE Select); coding-DNA position 882, C replaced by T.
Protein change: p.Cys294=; no amino-acid change (cysteine 294 retained).
Molecular consequence: synonymous variant. On other transcripts: non-coding transcript variant (1).
Genome position (GRCh38, 1-based): chr22:49,925,430, C>T. VCF-style: chr22-49925430-C-T. GRCh37 (hg19) VCF-style: chr22-50319078-C-T.
Other names: c.1029C>T, p.Cys343= (NM_001135101.3); c.798C>T, p.Cys266= (NM_001284317.2); c.786C>T, p.Cys262= (NM_001284318.2).
Identifiers: ClinVar variation 777313 (VCV000777313.28), dbSNP rs149127584, ClinGen allele CA10301254.